The following is an entry in ClinVar:

ClinVar aggregate classification (germline): Uncertain significance (1 of 4 stars; one submission).

Conditions:
Inborn genetic diseases. Identifiers: MedGen C0950123, MeSH D030342.

Submission:

Ambry Genetics
Classification: Uncertain significance for Inborn genetic diseases. Last evaluated: 2025-05-22. Review status: criteria provided, single submitter. Criteria: Ambry Variant Classification Scheme 2023. Collection method: clinical testing. Allele origin: germline.
Comment: The p.S156P variant (also known as c.466T>C), located in coding exon 1 of the SAMD9 gene, results from a T to C substitution at nucleotide position 466. The serine at codon 156 is replaced by proline, an amino acid with similar properties. This amino acid position is conserved. In addition, this alteration is predicted to be tolerated by in silico analysis. Based on the available evidence, the clinical significance of this variant remains unclear.

NM_017654.4(SAMD9):c.466T>C (p.Ser156Pro)

Gene: SAMD9 (sterile alpha motif domain containing 9; minus strand). Cytogenetic location: 7q21.2.
Variant type: single nucleotide variant.
Coding change: c.466T>C on transcript NM_017654.4 (MANE Select); coding-DNA position 466, T replaced by C.
Protein change: p.Ser156Pro; replaces serine 156 with proline.
Molecular consequence: missense variant.
Genome position (GRCh38, 1-based): chr7:93,105,632, A>G on the plus strand (T>C on the coding strand, the complement: SAMD9 is on the minus strand). VCF-style: chr7-93105632-A-G. GRCh37 (hg19) VCF-style: chr7-92734945-A-G.
Other names: c.466T>C, p.Ser156Pro (NM_001193307.2); short protein forms S156P.
Identifiers: ClinVar variation 3949656 (VCV003949656.1).
Genomic context (GRCh38, chr7:93,105,632, plus strand): 5'-TGTAACGATATGGATTACTGAATTCATCAAATGGATATGATACACATGTCAGGTCTATGG[A>G]TGGTTGCCTTTCCTTTGTATAATCTATTTTATCTTCTATGAGCTCAACTTTTAGTGACTT-3'
Protein context (NP_060124.2, residues 146-166): KIDYTKERQP[Ser156Pro]IDLTCVSYPF